The following is an entry in ClinVar:

NM_001558.4(IL10RA):c.455C>T (p.Pro152Leu)

Gene: IL10RA (interleukin 10 receptor subunit alpha; plus strand). Cytogenetic location: 11q23.3.
Variant type: single nucleotide variant.
Coding change: c.455C>T on transcript NM_001558.4 (MANE Select); coding-DNA position 455, C replaced by T.
Protein change: p.Pro152Leu; replaces proline 152 with leucine.
Molecular consequence: missense variant. On other transcripts: non-coding transcript variant (1).
Genome position (GRCh38, 1-based): chr11:117,993,328, C>T. VCF-style: chr11-117993328-C-T. GRCh37 (hg19) VCF-style: chr11-117864043-C-T.
Other names: short protein forms P152L.
Identifiers: ClinVar variation 3669850 (VCV003669850.2).
Genomic context (GRCh38, chr11:117,993,328, plus strand): 5'-TAGAGATCCACAATGGCTTCATCCTCGGGAAGATTCAGCTACCCAGGCCCAAGATGGCCC[C>T]CGCAAATGACACATATGAAAGCATCTTCAGTCACTTCCGAGAGTATGAGATTGCCATTCG-3'
Protein context (NP_001549.2, residues 142-162): KIQLPRPKMA[Pro152Leu]ANDTYESIFS

ClinVar aggregate classification (germline): Uncertain significance (1 of 4 stars; one submission).

Conditions:
Inflammatory bowel disease 28. Also called: Inflammatory bowel disease 28, early onset, autosomal recessive. Identifiers: Orphanet 238569, MedGen C2751053, MONDO:0013153, OMIM 613148.

Submission:

Labcorp Genetics (formerly Invitae), Labcorp
Classification: Uncertain significance for Inflammatory bowel disease 28. Last evaluated: 2024-09-26. Review status: criteria provided, single submitter. Criteria: Invitae Variant Classification Sherloc (09022015). Collection method: clinical testing. Allele origin: germline.
Comment: This sequence change replaces proline, which is neutral and non-polar, with leucine, which is neutral and non-polar, at codon 152 of the IL10RA protein (p.Pro152Leu). This variant is not present in population databases (gnomAD no frequency). This variant has not been reported in the literature in individuals affected with IL10RA-related conditions. Invitae Evidence Modeling of protein sequence and biophysical properties (such as structural, functional, and spatial information, amino acid conservation, physicochemical variation, residue mobility, and thermodynamic stability) has been performed for this missense variant. However, the output from this modeling did not meet the statistical confidence thresholds required to predict the impact of this variant on IL10RA protein function. In summary, the available evidence is currently insufficient to determine the role of this variant in disease. Therefore, it has been classified as a Variant of Uncertain Significance.